The following is an entry in ClinVar:

NM_001371727.1(GABRB2):c.238-2A>G

Gene: GABRB2 (gamma-aminobutyric acid type A receptor subunit beta2; minus strand). Cytogenetic location: 5q34.
Variant type: single nucleotide variant.
Coding change: c.238-2A>G on transcript NM_001371727.1 (MANE Select); the canonical splice acceptor site of the intron before coding-DNA position 238, A replaced by G.
Molecular consequence: splice acceptor variant.
Genome position (GRCh38, 1-based): chr5:161,459,846, T>C on the plus strand (A>G on the coding strand, the complement: GABRB2 is on the minus strand). VCF-style: chr5-161459846-T-C. GRCh37 (hg19) VCF-style: chr5-160886852-T-C.
Other names: c.238-2A>G (NM_000813.3, NM_021911.3).
Identifiers: ClinVar variation 3372200 (VCV003372200.2).
Genomic context (GRCh38, chr5:161,459,846, plus strand): 5'-TTATAGGACAGCCTCTTATCTCTCCAGGCTTGTTGAAAGTACATTGTCAAGGTATAATCC[T>C]GTAAATGTGAGAAAAAAAAACATGGTTAGTTTACACCCAGACAGATCTGGGGGATAAGCA-3'

ClinVar aggregate classification (germline): Uncertain significance (1 of 4 stars; one submission).

Submission:

GeneDx
Classification: Uncertain significance. Last evaluated: 2025-11-21. Review status: criteria provided, single submitter. Criteria: GeneDx Variant Classification Process June 2021. Collection method: clinical testing. Allele origin: germline. Affected: yes.
Comment: Not observed at significant frequency in large population cohorts (gnomAD); Has not been previously published as pathogenic or benign to our knowledge; Canonical splice site variant in a gene or region of a gene for which loss of function is not a well-established mechanism of disease